The following is an entry in ClinVar:

ClinVar aggregate classification (germline): Conflicting classifications of pathogenicity. Review status: criteria provided, conflicting classifications (1 of 4 stars). 4 submissions from 4 submitters: Uncertain significance (1); Benign (1); Likely benign (2). Last evaluated 2025-01-15.

Conditions:
Hereditary cancer-predisposing syndrome. Also called: Hereditary Cancer Syndrome; Tumor predisposition; Neoplastic Syndromes, Hereditary; Hereditary neoplastic syndrome. Identifiers: Orphanet 140162, MedGen C0027672, MeSH D009386, MONDO:0015356.
Familial cancer of breast. Also called: BREAST CANCER, FAMILIAL; Hereditary breast cancer; hereditary breast carcinoma. Identifiers: Orphanet 227535, MedGen C0346153, MONDO:0016419, OMIM 114480. Disease mechanism: loss of function.

Submissions (4):

Myriad Genetics, Inc.
Classification: Benign for Familial cancer of breast. Last evaluated: 2025-01-15. Review status: criteria provided, single submitter. Criteria: Myriad Autosomal Dominant, Autosomal Recessive and X-Linked Classification Criteria (2023). Collection method: clinical testing. Allele origin: unknown.
Comment: This variant is considered benign. This variant is a silent/synonymous amino acid change and it is not expected to impact splicing.

Labcorp Genetics (formerly Invitae), Labcorp
Classification: Likely benign for Familial cancer of breast. Last evaluated: 2023-09-22. Review status: criteria provided, single submitter. Criteria: Invitae Variant Classification Sherloc (09022015). Collection method: clinical testing. Allele origin: germline.

Quest Diagnostics Nichols Institute San Juan Capistrano
Classification: Uncertain significance. Last evaluated: 2023-09-21. Review status: criteria provided, single submitter. Criteria: Quest Diagnostics criteria. Collection method: clinical testing. Allele origin: unknown.
Comment: To the best of our knowledge, this variant has not been reported in the published literature. It also has not been reported in large, multi-ethnic general populations (Genome Aggregation Database). Analysis of this variant using software algorithms for the prediction of the effect of nucleotide changes on splicing yielded predictions that this variant does not affect PALB2 mRNA splicing . Based on the available information, we are unable to determine the clinical significance of this variant.

Ambry Genetics
Classification: Likely benign for Hereditary cancer-predisposing syndrome. Last evaluated: 2019-07-25. Review status: criteria provided, single submitter. Criteria: Ambry Variant Classification Scheme 2023. Collection method: clinical testing. Allele origin: germline.

NM_024675.4(PALB2):c.2202T>C (p.Thr734=)

Gene: PALB2 (partner and localizer of BRCA2; minus strand). Cytogenetic location: 16p12.2.
Variant type: single nucleotide variant.
Coding change: c.2202T>C on transcript NM_024675.4 (MANE Select); coding-DNA position 2202, T replaced by C.
Protein change: p.Thr734=; no amino-acid change (threonine 734 retained).
Molecular consequence: synonymous variant.
Genome position (GRCh38, 1-based): chr16:23,629,952, A>G on the plus strand (T>C on the coding strand, the complement: PALB2 is on the minus strand). VCF-style: chr16-23629952-A-G. GRCh37 (hg19) VCF-style: chr16-23641273-A-G.
Identifiers: ClinVar variation 703019 (VCV000703019.14), dbSNP rs1278216949, ClinGen allele CA494461110.
Genomic context (GRCh38, chr16:23,629,952, plus strand): 5'-AGTTCGTCCAGCAACTTCTGTAGATGCTTTTTCATAGGAGCCTTGAGGGCCAAAGGCTGG[A>G]GTAGTACCTAAGATGGGGAAAGCAGGTGAACACATGTCTGTGGTAGGCCTGTCATTATCA-3'
Protein context (NP_078951.2, residues 724-744): CSPAFPILGT[Thr734=]PAFGPQGSYE